The following is an entry in ClinVar:

ClinVar aggregate classification (germline): Uncertain significance (1 of 4 stars; one submission).

Conditions:
Dextro-looped transposition of the great arteries. Also called: Dextrotransposition of the great arteries. Identifiers: Orphanet 860, MedGen C3531771, MONDO:0019443, OMIM 608808, HP:0031348.

Submission:

Labcorp Genetics (formerly Invitae), Labcorp
Classification: Uncertain significance for Dextro-looped transposition of the great arteries. Last evaluated: 2023-04-24. Review status: criteria provided, single submitter. Criteria: Invitae Variant Classification Sherloc (09022015). Collection method: clinical testing. Allele origin: germline.
Comment: In summary, the available evidence is currently insufficient to determine the role of this variant in disease. Therefore, it has been classified as a Variant of Uncertain Significance. Advanced modeling of protein sequence and biophysical properties (such as structural, functional, and spatial information, amino acid conservation, physicochemical variation, residue mobility, and thermodynamic stability) performed at Invitae indicates that this missense variant is expected to disrupt MED13L protein function. This variant has not been reported in the literature in individuals affected with MED13L-related conditions. This variant is not present in population databases (gnomAD no frequency). This sequence change replaces glutamine, which is neutral and polar, with arginine, which is basic and polar, at codon 1335 of the MED13L protein (p.Gln1335Arg).

NM_015335.5(MED13L):c.4004A>G (p.Gln1335Arg)

Gene: MED13L (mediator complex subunit 13L; minus strand). Cytogenetic location: 12q24.21.
Variant type: single nucleotide variant.
Coding change: c.4004A>G on transcript NM_015335.5 (MANE Select); coding-DNA position 4004, A replaced by G.
Protein change: p.Gln1335Arg; replaces glutamine 1335 with arginine.
Molecular consequence: missense variant.
Genome position (GRCh38, 1-based): chr12:115,987,219, T>C on the plus strand (A>G on the coding strand, the complement: MED13L is on the minus strand). VCF-style: chr12-115987219-T-C. GRCh37 (hg19) VCF-style: chr12-116425024-T-C.
Other names: short protein forms Q1335R.
Identifiers: ClinVar variation 2858891 (VCV002858891.3), dbSNP rs2499842671, ClinGen allele CA386885399.
Genomic context (GRCh38, chr12:115,987,219, plus strand): 5'-CCCTGCACATGCTGGATGTTCTCCCAGGTCCTGCCCGTGCGCTTCTTTTGGATGGCATCT[T>C]GGAGAAAGGGCTGCAGGGACAACAGCATACGAACCACATCCTGGGAGGAGAGCATGCTGA-3'
Protein context (NP_056150.1, residues 1325-1345): RMLLSLQPFL[Gln1335Arg]DAIQKKRTGR